The following is an entry in ClinVar:

NM_004656.4(BAP1):c.691A>T (p.Met231Leu)

Gene: BAP1 (BRCA1 associated deubiquitinase 1; minus strand). Cytogenetic location: 3p21.1.
Variant type: single nucleotide variant.
Coding change: c.691A>T on transcript NM_004656.4 (MANE Select); coding-DNA position 691, A replaced by T.
Protein change: p.Met231Leu; replaces methionine 231 with leucine.
Molecular consequence: missense variant. On other transcripts: intron variant (1).
Genome position (GRCh38, 1-based): chr3:52,406,345, T>A on the plus strand (A>T on the coding strand, the complement: BAP1 is on the minus strand). VCF-style: chr3-52406345-T-A. GRCh37 (hg19) VCF-style: chr3-52440361-T-A.
Other names: c.660-23A>T (NM_001410772.1); short protein forms M231L.
Identifiers: ClinVar variation 3819123 (VCV003819123.1).

ClinVar aggregate classification (germline): Uncertain significance (1 of 4 stars; one submission).

Conditions:
Hereditary cancer-predisposing syndrome. Also called: Hereditary neoplastic syndrome; Neoplastic Syndromes, Hereditary; Tumor predisposition; Hereditary Cancer Syndrome. Identifiers: Orphanet 140162, MedGen C0027672, MeSH D009386, MONDO:0015356.

Submission:

Ambry Genetics
Classification: Uncertain significance for Hereditary cancer-predisposing syndrome. Last evaluated: 2025-01-23. Review status: criteria provided, single submitter. Criteria: Ambry Variant Classification Scheme 2023. Collection method: clinical testing. Allele origin: germline.
Comment: The p.M231L variant (also known as c.691A>T), located in coding exon 9 of the BAP1 gene, results from an A to T substitution at nucleotide position 691. The methionine at codon 231 is replaced by leucine, an amino acid with highly similar properties. This amino acid position is conserved. In addition, the in silico prediction for this alteration is inconclusive. Based on the available evidence, the clinical significance of this variant remains unclear.